The following is an entry in ClinVar:

ClinVar aggregate classification (germline): Pathogenic (1 of 4 stars; one submission).

Conditions:
Deficiency of galactokinase. Also called: GALACTOSEMIA II; Galactokinase deficiency with cataracts. Identifiers: Orphanet 352, Orphanet 79237, MedGen C0268155, MONDO:0009255, OMIM 230200.

Submission:

Myriad Genetics, Inc.
Classification: Pathogenic for Deficiency of galactokinase. Last evaluated: 2023-09-27. Review status: criteria provided, single submitter. Criteria: Myriad Autosomal Dominant, Autosomal Recessive and X-Linked Classification Criteria (2023). Collection method: clinical testing. Allele origin: unknown.
Comment: NM_000154.1(GALK1):c.624dupC(S209Qfs*18) is expected to be pathogenic in the context of galactokinase deficiency. This variant is predicted to lead to an abnormal or absent protein product due to the creation of a premature termination codon in GALK1, a gene where loss-of-function variants are known to be pathogenic. Please note: this variant was assessed in the context of healthy population screening.

NM_000154.2(GALK1):c.624dup (p.Ser209fs)

Gene: GALK1 (galactokinase 1; minus strand). Cytogenetic location: 17q25.1.
Variant type: Duplication.
Coding change: c.624dup on transcript NM_000154.2 (MANE Select); coding-DNA position 624, one base duplicated (C; older notation c.624dupC).
Protein change: p.Ser209fs; shifts the reading frame from serine 209.
Molecular consequence: frameshift variant.
Genome position (GRCh38, 1-based): chr17:75,762,873, G duplicated on the plus strand (C on the coding strand, the reverse complement: GALK1 is on the minus strand); the first of 2 consecutive G bases (chr17:75,762,873-75,762,874); duplicating either gives the same sequence. VCF-style (leftmost placement, unchanged base first): chr17-75762872-T-TG. GRCh37 (hg19) VCF-style: chr17-73758953-T-TG.
Other names: c.624dup, p.Ser209fs (NM_001381985.1); short protein forms S209fs.
Identifiers: ClinVar variation 5012243 (VCV005012243.1).
Genomic context (GRCh38, chr17:75,762,872, plus strand): 5'-GGCGGACATTAGAGTTGGTGATGAGCACGGCCAGCTTGGGGTCCGAGAGTGGCACCAGGC[T>TG]GGTCTCCAAGGACCTGGGGTGGAGTTACAATGGGGGAGATGACGAGGCCAAGCGTGTGCT-3'